The following is an entry in ClinVar:

NM_002435.3(MPI):c.587G>A (p.Ser196Asn)

Gene: MPI (mannose phosphate isomerase; plus strand). Cytogenetic location: 15q24.1.
Variant type: single nucleotide variant.
Coding change: c.587G>A on transcript NM_002435.3 (MANE Select); coding-DNA position 587, G replaced by A.
Protein change: p.Ser196Asn; replaces serine 196 with asparagine.
Molecular consequence: missense variant. On other transcripts: intron variant (1).
Genome position (GRCh38, 1-based): chr15:74,893,237, G>A. VCF-style: chr15-74893237-G-A. GRCh37 (hg19) VCF-style: chr15-75185578-G-A.
Other names: c.587G>A, p.Ser196Asn (NM_001289155.2); c.437G>A, p.Ser146Asn (NM_001289156.2); c.527G>A, p.Ser176Asn (NM_001330372.2); c.487+435G>A (NM_001289157.2); short protein forms S196N, S146N, S176N.
Identifiers: ClinVar variation 2167358 (VCV002167358.1), dbSNP rs761968053, ClinGen allele CA7662465.

ClinVar aggregate classification (germline): Uncertain significance (1 of 4 stars; one submission).

Conditions:
MPI-congenital disorder of glycosylation. Also called: CDG Ib; PROTEIN-LOSING ENTEROPATHY-HEPATIC FIBROSIS SYNDROME; MANNOSEPHOSPHATE ISOMERASE DEFICIENCY; MPI-CDG; MPI DEFICIENCY; CONGENITAL DISORDER OF GLYCOSYLATION, TYPE Ib. Identifiers: Orphanet 79319, MedGen C1865145, MONDO:0011257, OMIM 602579.

Allele frequency attached by ClinVar (database versions not stated): gnomAD exomes below 0.00001; ExAC 0.00002; TOPMed 0.00002.

Submission:

Labcorp Genetics (formerly Invitae), Labcorp
Classification: Uncertain significance for MPI-congenital disorder of glycosylation. Last evaluated: 2022-07-06. Review status: criteria provided, single submitter. Criteria: Invitae Variant Classification Sherloc (09022015). Collection method: clinical testing. Allele origin: germline.
Comment: This sequence change replaces serine, which is neutral and polar, with asparagine, which is neutral and polar, at codon 196 of the MPI protein (p.Ser196Asn). This variant is present in population databases (rs761968053, gnomAD 0.002%). This variant has not been reported in the literature in individuals affected with MPI-related conditions. Algorithms developed to predict the effect of missense changes on protein structure and function output the following: SIFT: "Tolerated"; PolyPhen-2: "Benign"; Align-GVGD: "Class C0". The asparagine amino acid residue is found in multiple mammalian species, which suggests that this missense change does not adversely affect protein function. In summary, the available evidence is currently insufficient to determine the role of this variant in disease. Therefore, it has been classified as a Variant of Uncertain Significance.